The following is an entry in ClinVar:

NM_000535.7(PMS2):c.51del (p.Ile18fs)

Gene: PMS2 (PMS1 homolog 2, mismatch repair system component; minus strand). Cytogenetic location: 7p22.1.
Variant type: Deletion.
Coding change: c.51del on transcript NM_000535.7 (MANE Select); coding-DNA position 51, one base deleted (T; older notation c.51delT).
Protein change: p.Ile18fs; shifts the reading frame from isoleucine 18.
Molecular consequence: frameshift variant. On other transcripts: intron variant (3), 5 prime UTR variant (8), non-coding transcript variant (1).
Genome position (GRCh38, 1-based): chr7:6,006,004, A deleted on the plus strand (T on the coding strand, the reverse complement: PMS2 is on the minus strand). VCF-style (leftmost placement, unchanged base first): chr7-6006003-TA-T. GRCh37 (hg19) VCF-style: chr7-6045634-TA-T.
Other names: c.51delT (NM_000535.5); c.-242-1946del (NM_001322010.2, NM_001322004.2); c.-355del (NM_001322003.2, NM_001322005.2, NM_001322009.2 and 1 more transcripts); c.51del, p.Ile18fs (NM_001322006.2, NM_001322014.2); c.-165del (NM_001322007.2); c.-834del (NM_001322011.2, NM_001322012.2); c.-434del (NM_001322015.2); c.-52-1946del (NM_001322008.2); short protein forms I18fs.
Identifiers: ClinVar variation 920225 (VCV000920225.8), dbSNP rs1785715961, ClinGen allele CA1139659973.

ClinVar aggregate classification (germline): Pathogenic. Review status: criteria provided, multiple submitters, no conflicts (2 of 4 stars). 4 submissions from 4 submitters: Pathogenic (4). Last evaluated 2026-03-16.

Conditions:
Hereditary nonpolyposis colorectal neoplasms. Identifiers: MedGen C0009405, MeSH D003123.
Hereditary cancer-predisposing syndrome. Also called: Hereditary Cancer Syndrome; Neoplastic Syndromes, Hereditary; Tumor predisposition; Hereditary neoplastic syndrome. Identifiers: Orphanet 140162, MedGen C0027672, MeSH D009386, MONDO:0015356.
Lynch syndrome 4 (LYNCH4). Also called: Hereditary non-polyposis colorectal cancer, type 4; Colorectal cancer, hereditary nonpolyposis, type 4. Identifiers: Orphanet 144, MedGen C1838333, MONDO:0013699, OMIM 614337. Disease mechanism: loss of function.

Submissions (4):

Ambry Genetics
Classification: Pathogenic for Hereditary cancer-predisposing syndrome. Last evaluated: 2026-03-16. Review status: criteria provided, single submitter. Criteria: Ambry Variant Classification Scheme 2023. Collection method: clinical testing. Allele origin: germline.
Comment: The c.51delT pathogenic mutation, located in coding exon 2 of the PMS2 gene, results from a deletion of one nucleotide at nucleotide position 51, causing a translational frameshift with a predicted alternate stop codon (p.I18Lfs*16). This variant is considered to be rare based on population cohorts in the Genome Aggregation Database (gnomAD). This variant is expected to result in loss of function by premature protein truncation or nonsense-mediated mRNA decay. As such, this alteration is interpreted as a disease-causing mutation.

Labcorp Genetics (formerly Invitae), Labcorp
Classification: Pathogenic for Hereditary nonpolyposis colorectal neoplasms. Last evaluated: 2025-03-14. Review status: criteria provided, single submitter. Criteria: Invitae Variant Classification Sherloc (09022015). Collection method: clinical testing. Allele origin: germline.
Comment: This sequence change creates a premature translational stop signal (p.Ile18Leufs*16) in the PMS2 gene. It is expected to result in an absent or disrupted protein product. Loss-of-function variants in PMS2 are known to be pathogenic (PMID: 21376568, 24362816). This variant is not present in population databases (gnomAD no frequency). This variant has not been reported in the literature in individuals affected with PMS2-related conditions. ClinVar contains an entry for this variant (Variation ID: 920225). For these reasons, this variant has been classified as Pathogenic.

Myriad Genetics, Inc.
Classification: Pathogenic for Lynch syndrome 4. Last evaluated: 2023-04-20. Review status: criteria provided, single submitter. Criteria: Myriad Autosomal Dominant, Autosomal Recessive and X-Linked Classification Criteria (2023). Collection method: clinical testing. Allele origin: unknown.
Comment: This variant is considered pathogenic. This variant creates a frameshift predicted to result in premature protein truncation.

Color Diagnostics, LLC DBA Color Health
Classification: Pathogenic for Hereditary cancer-predisposing syndrome. Last evaluated: 2019-11-25. Review status: criteria provided, single submitter. Criteria: ACMG Guidelines, 2015. Collection method: clinical testing. Allele origin: germline.
Comment: This variant deletes 1 nucleotide in exon 2 of the PMS2 gene, creating a frameshift and premature translation stop signal. This variant is expected to result in an absent or non-functional protein product. Splice site prediction tools suggest that this variant may not impact RNA splicing. To our knowledge, functional studies have not been performed for this variant. This variant has not been reported in individuals affected with hereditary cancer in the literature. This variant has not been identified in the general population by the Genome Aggregation Database (gnomAD). Loss of PMS2 function is a known mechanism of disease. Based on the available evidence, this variant is classified as Pathogenic.

Literature cited by the submitters: PubMed 21376568 (cited by Labcorp Genetics (formerly Invitae), Labcorp); PubMed 24362816 (cited by Labcorp Genetics (formerly Invitae), Labcorp).